The following is an entry in ClinVar:

NM_002470.4(MYH3):c.1061C>T (p.Thr354Met)

Gene: MYH3 (myosin heavy chain 3; minus strand). Cytogenetic location: 17p13.1.
Variant type: single nucleotide variant.
Coding change: c.1061C>T on transcript NM_002470.4 (MANE Select); coding-DNA position 1061, C replaced by T.
Protein change: p.Thr354Met; replaces threonine 354 with methionine.
Molecular consequence: missense variant.
Genome position (GRCh38, 1-based): chr17:10,645,787, G>A on the plus strand (C>T on the coding strand, the complement: MYH3 is on the minus strand). VCF-style: chr17-10645787-G-A. GRCh37 (hg19) VCF-style: chr17-10549104-G-A.
Other names: short protein forms T354M.
Identifiers: ClinVar variation 2150721 (VCV002150721.4), dbSNP rs367706009, ClinGen allele CA8393091.

ClinVar aggregate classification (germline): Uncertain significance (1 of 4 stars; one submission).

Allele frequency attached by ClinVar (database versions not stated): gnomAD 0.00001; gnomAD exomes 0.00001; ExAC 0.00002; TOPMed 0.00003; ESP Exome Variant Server 0.00008.
gnomAD v4.1: 19 of 1,613,628 alleles (0.0012%); highest among the groups gnomAD compares: East Asian, 0.011%; no homozygotes.

Submission:

Labcorp Genetics (formerly Invitae), Labcorp
Classification: Uncertain significance. Last evaluated: 2024-10-26. Review status: criteria provided, single submitter. Criteria: Invitae Variant Classification Sherloc (09022015). Collection method: clinical testing. Allele origin: germline.
Comment: This sequence change replaces threonine, which is neutral and polar, with methionine, which is neutral and non-polar, at codon 354 of the MYH3 protein (p.Thr354Met). This variant is present in population databases (rs367706009, gnomAD 0.002%). This variant has not been reported in the literature in individuals affected with MYH3-related conditions. ClinVar contains an entry for this variant (Variation ID: 2150721). Invitae Evidence Modeling of protein sequence and biophysical properties (such as structural, functional, and spatial information, amino acid conservation, physicochemical variation, residue mobility, and thermodynamic stability) has been performed for this missense variant. However, the output from this modeling did not meet the statistical confidence thresholds required to predict the impact of this variant on MYH3 protein function. In summary, the available evidence is currently insufficient to determine the role of this variant in disease. Therefore, it has been classified as a Variant of Uncertain Significance.